The following is an entry in ClinVar:

NM_006031.6(PCNT):c.9863G>C (p.Arg3288Thr)

Gene: PCNT (pericentrin; plus strand). Cytogenetic location: 21q22.3.
Variant type: single nucleotide variant.
Coding change: c.9863G>C on transcript NM_006031.6 (MANE Select); coding-DNA position 9863, G replaced by C.
Protein change: p.Arg3288Thr; replaces arginine 3288 with threonine.
Molecular consequence: missense variant.
Genome position (GRCh38, 1-based): chr21:46,444,717, G>C. VCF-style: chr21-46444717-G-C. GRCh37 (hg19) VCF-style: chr21-47864630-G-C.
Other names: c.9272G>C, p.Arg3091Thr (NM_001315529.2); short protein forms R3091T, R3288T.
Identifiers: ClinVar variation 3348951 (VCV003348951.2).

ClinVar aggregate classification (germline): Uncertain significance (1 of 4 stars; one submission).

Conditions:
PCNT-related disorder. Also called: PCNT-related condition.

Submission:

PreventionGenetics, part of Exact Sciences
Classification: Uncertain significance for PCNT-related condition. Last evaluated: 2026-06-10. Review status: criteria provided, single submitter. Criteria: ACMG Guidelines, 2015. Collection method: clinical testing. Allele origin: germline.
Comment: The PCNT c.9863G>C variant is predicted to result in the amino acid substitution p.Arg3288Thr. To our knowledge, this variant has not been reported in the literature or in a large population database (gnomAD), indicating this variant is rare. At this time, the clinical significance of this variant is uncertain due to the absence of conclusive functional and genetic evidence.